The following is an entry in ClinVar:

NM_000083.3(CLCN1):c.-21C>T

Gene: CLCN1 (chloride voltage-gated channel 1; plus strand). Cytogenetic location: 7q34.
Variant type: single nucleotide variant.
Coding change: c.-21C>T on transcript NM_000083.3 (MANE Select); 21 bases upstream of the start codon, C replaced by T.
Molecular consequence: 5 prime UTR variant. On other transcripts: non-coding transcript variant (1).
Genome position (GRCh38, 1-based): chr7:143,316,192, C>T. VCF-style: chr7-143316192-C-T. GRCh37 (hg19) VCF-style: chr7-143013285-C-T.
Identifiers: ClinVar variation 359088 (VCV000359088.7), dbSNP rs34904831, ClinGen allele CA4536779.

ClinVar aggregate classification (germline): Benign/Likely benign. Review status: criteria provided, multiple submitters, no conflicts (2 of 4 stars). 4 submissions from 4 submitters: Benign (3); Likely benign (1). Last evaluated 2018-01-12.

Conditions:
Batten-Turner congenital myopathy. Also called: Myotonia congenita; Congenital myotonia. Identifiers: Orphanet 206973, MedGen C0027127, MONDO:0100468, OMIM 255300.
Congenital myotonia, autosomal recessive form. Also called: BECKER DISEASE; myotonia congenita, autosomal recessive; Becker Generalized Myotonia. Identifiers: Orphanet 614, MedGen C0751360, MONDO:0009715, OMIM 255700.
Congenital myotonia, autosomal dominant form (THD). Also called: Myotonia congenita autosomal dominant; THOMSEN DISEASE. Identifiers: Orphanet 614, MedGen C2936781, MONDO:0008055, OMIM 160800.

Allele frequency attached by ClinVar (database versions not stated): 1000 Genomes Project 30x 0.01624; 1000 Genomes Project 0.01677; TOPMed 0.03759; gnomAD exomes 0.04520 and 0.06285; ExAC 0.04774; gnomAD 0.04948; ESP Exome Variant Server 0.04998.
gnomAD v4.1: 97,244 of 1,596,896 alleles (6.1%); highest among the groups gnomAD compares: Non-Finnish European, 7.2%; 3,545 homozygotes.

Submissions (4):

Illumina Laboratory Services, Illumina
Classification: Benign for Myotonia congenita. Last evaluated: 2018-01-12. Review status: criteria provided, single submitter. Criteria: ICSL Variant Classification Criteria 13 December 2019. Collection method: clinical testing. Allele origin: germline.
Comment: This variant was observed in the ICSL laboratory as part of a predisposition screen in an ostensibly healthy population. It had not been previously curated by ICSL or reported in the Human Gene Mutation Database (HGMD: prior to June 1st, 2018), and was therefore a candidate for classification through an automated scoring system. Utilizing variant allele frequency, disease prevalence and penetrance estimates, and inheritance mode, an automated score was calculated to assess if this variant is too frequent to cause the disease. Based on the score and internal cut-off values, a variant classified as benign is not then subjected to further curation. The score for this variant resulted in a classification of benign for this disease.

GeneDx
Classification: Benign. Last evaluated: 2016-01-13. Review status: criteria provided, single submitter. Criteria: GeneDx Variant Classification (06012015). Collection method: clinical testing. Allele origin: germline. Affected: yes.
Comment: This variant is considered likely benign or benign based on one or more of the following criteria: it is a conservative change, it occurs at a poorly conserved position in the protein, it is predicted to be benign by multiple in silico algorithms, and/or has population frequency not consistent with disease.

Breakthrough Genomics
Classification: Benign. Review status: criteria provided, single submitter. Criteria: ACMG Guidelines, 2015. Collection method: not provided. Allele origin: germline. Inheritance: Autosomal recessive inheritance. Affected: yes.

Department Of Human Genetics, Institute Of Clinical And Translational Research, Biomedical Research Center, Slovak Academy Of Sciences
Classification: Likely benign for Congenital myotonia, autosomal recessive form; Congenital myotonia, autosomal dominant form. Review status: criteria provided, single submitter. Criteria: ACMG Guidelines, 2015. Collection method: research. Allele origin: germline. Inheritance: Autosomal unknown. Affected: yes. Observed: 3 variant alleles.
Comment: The c.-21C>T variant was found in 3 patients with myotonia congenita, one of them homozygous. In one of the heterozygous patients, another Likely Pathogenic variant c.2680C>T was present. The main reason for classification in ClinVar is higher than the supposed population frequency (1 - 5 %).